The following is an entry in ClinVar:

NM_000256.3(MYBPC3):c.1420G>T (p.Glu474Ter)

Gene: MYBPC3 (myosin binding protein C3; minus strand). Cytogenetic location: 11p11.2.
Variant type: single nucleotide variant.
Coding change: c.1420G>T on transcript NM_000256.3 (MANE Select); coding-DNA position 1420, G replaced by T.
Protein change: p.Glu474Ter; replaces glutamic acid 474 with a stop codon.
Molecular consequence: nonsense.
Genome position (GRCh38, 1-based): chr11:47,342,867, C>A on the plus strand (G>T on the coding strand, the complement: MYBPC3 is on the minus strand). VCF-style: chr11-47342867-C-A. GRCh37 (hg19) VCF-style: chr11-47364418-C-A.
Other names: short protein forms E474*.
Identifiers: ClinVar variation 1069892 (VCV001069892.9), dbSNP rs1415753419, ClinGen allele CA380325867.
Genomic context (GRCh38, chr11:47,342,867, plus strand): 5'-TGCCCCGTGCTTCTGGAACTCACCATTTGACTTGCGCCCCCTCCTCCGATACTTCACACT[C>A]AAACTCCACCCGCTGCCCCACCATCACCAGCTGGTCCTCCAAGGGGCGCGTGATGAGCAC-3'

ClinVar aggregate classification (germline): Pathogenic (1 of 4 stars; one submission).

Conditions:
Hypertrophic cardiomyopathy. Also called: HYPERTROPHIC MYOCARDIOPATHY. Identifiers: Orphanet 217569, MedGen C0007194, MeSH D002312, MONDO:0005045, HP:0001639.

Submission:

Labcorp Genetics (formerly Invitae), Labcorp
Classification: Pathogenic for Hypertrophic cardiomyopathy. Last evaluated: 2023-08-04. Review status: criteria provided, single submitter. Criteria: Invitae Variant Classification Sherloc (09022015). Collection method: clinical testing. Allele origin: germline.
Comment: This variant is not present in population databases (gnomAD no frequency). This sequence change creates a premature translational stop signal (p.Glu474*) in the MYBPC3 gene. It is expected to result in an absent or disrupted protein product. Loss-of-function variants in MYBPC3 are known to be pathogenic (PMID: 19574547). This premature translational stop signal has been observed in individual(s) with hypertrophic cardiomyopathy (PMID: 25132132, 28822653). ClinVar contains an entry for this variant (Variation ID: 1069892). For these reasons, this variant has been classified as Pathogenic.

Literature cited by the submitters: PubMed 19574547; PubMed 25132132; PubMed 28822653.